The following is an entry in ClinVar:

ClinVar aggregate classification (germline): Likely benign (1 of 4 stars; one submission).

gnomAD v4.1: 8 of 635,397 alleles (0.0013%); highest among the groups gnomAD compares: Non-Finnish European, 0.0015%; no homozygotes.

Submission:

Mayo Clinic Laboratories, Mayo Clinic
Classification: Likely benign. Last evaluated: 2025-09-02. Review status: criteria provided, single submitter. Criteria: ACMG Guidelines, 2015. Collection method: clinical testing. Allele origin: germline. Observed: 1 variant allele.
Comment: BP4, BP7, PM2_supporting

NM_014009.4(FOXP3):c.-23+76G>T

Gene: FOXP3 (forkhead box P3; minus strand). Cytogenetic location: Xp11.23.
Variant type: single nucleotide variant.
Coding change: c.-23+76G>T on transcript NM_014009.4 (MANE Select); 76 bases into the intron after 23 bases upstream of the start codon, G replaced by T.
Molecular consequence: intron variant.
Genome position (GRCh38, 1-based): chrX:49,264,585, C>A on the plus strand (G>T on the coding strand, the complement: FOXP3 is on the minus strand). VCF-style: chrX-49264585-C-A. GRCh37 (hg19) VCF-style: chrX-49121047-C-A.
Other names: c.-23+76G>T (NM_001114377.2).
Identifiers: ClinVar variation 4684527 (VCV004684527.1).